The following is an entry in ClinVar:

NM_152564.5(VPS13B):c.7084C>T (p.Gln2362Ter)

Gene: VPS13B (vacuolar protein sorting 13 homolog B; plus strand). Cytogenetic location: 8q22.2.
Variant type: single nucleotide variant.
Coding change: c.7084C>T on transcript NM_152564.5 (MANE Select); coding-DNA position 7084, C replaced by T.
Protein change: p.Gln2362Ter; replaces glutamine 2362 with a stop codon.
Molecular consequence: nonsense.
Genome position (GRCh38, 1-based): chr8:99,766,807, C>T. VCF-style: chr8-99766807-C-T. GRCh37 (hg19) VCF-style: chr8-100779035-C-T.
Other names: c.7159C>T, p.Gln2387Ter (NM_017890.5); short protein forms Q2362*, Q2387*.
Identifiers: ClinVar variation 4815969 (VCV004815969.1).

ClinVar aggregate classification (germline): Likely pathogenic (1 of 4 stars; one submission).

Conditions:
Cohen syndrome (COH1). Also called: PEPPER SYNDROME; Cutis verticis gyrata, retinitis pigmentosa, and sensorineural deafness. Identifiers: Orphanet 193, MedGen C0265223, MONDO:0008999, OMIM 216550.

Submission:

Natera, Inc.
Classification: Likely pathogenic for Cohen syndrome. Last evaluated: 2026-01-26. Review status: criteria provided, single submitter. Criteria: Natera Variant Classification Schema (03/2026). Collection method: clinical testing. Allele origin: germline.
Comment: The c.7159C>T variant in VPS13B is a nonsense variant predicted to introduce a stop codon at amino acid 2387. This variant is expected to result in nonsense mediated decay, truncation, or a dysfunctional protein product. This variant is rare in the general population with a frequency below the threshold expected for the associated phenotype(s). Given the available evidence, this variant is classified as Likely Pathogenic.